The following is an entry in ClinVar:

NC_000015.9:g.(?_43900061)_(43901532_?)dup

Gene: STRC (stereocilin; minus strand). Cytogenetic location: 15q15.3.
Variant type: Duplication.
Identifiers: ClinVar variation 229271 (VCV000229271.5).

ClinVar aggregate classification (germline): Uncertain significance (1 of 4 stars; one submission).

Submission:

Laboratory for Molecular Medicine, Mass General Brigham Personalized Medicine
Classification: Uncertain significance. Last evaluated: 2017-05-02. Review status: criteria provided, single submitter. Criteria: LMM Criteria. Collection method: clinical testing. Allele origin: germline. Observed: 2 variant alleles.
Comment: The exact breakpoints and genom ic location of the duplicated exons could not be determined due to limitations o f the testing methodology. Therefore, the impact of the duplication on the gene and the expressed protein is not clear. In summary, the clinical significance of the exon 16-18 duplication in STRC is uncertain.